The following is an entry in ClinVar:

ClinVar aggregate classification (germline): Uncertain significance. Review status: criteria provided, multiple submitters, no conflicts (2 of 4 stars). 2 submissions from 2 submitters: Uncertain significance (2). Last evaluated 2026-01-21.

Conditions:
Cystic fibrosis (CF). Also called: MUCOVISCIDOSIS. Identifiers: Orphanet 586, MedGen C0010674, MONDO:0009061, OMIM 219700. Disease mechanism: loss of function.

Allele frequency attached by ClinVar (database versions not stated): gnomAD exomes 0.00001.
gnomAD v4.1: 10 of 1,612,106 alleles (0.00062%); highest among the groups gnomAD compares: Non-Finnish European, 0.00085%; no homozygotes.

Submissions (2):

Labcorp Genetics (formerly Invitae), Labcorp
Classification: Uncertain significance for Cystic fibrosis. Last evaluated: 2026-01-21. Review status: criteria provided, single submitter. Criteria: Invitae Variant Classification Sherloc (09022015). Collection method: clinical testing. Allele origin: germline.
Comment: This sequence change replaces isoleucine, which is neutral and non-polar, with valine, which is neutral and non-polar, at codon 160 of the CFTR protein (p.Ile160Val). This variant is present in population databases (no rsID available, gnomAD 0.0009%). This variant has not been reported in the literature in individuals affected with CFTR-related conditions. ClinVar contains an entry for this variant (Variation ID: 1743085). Invitae Evidence Modeling of protein sequence and biophysical properties (such as structural, functional, and spatial information, amino acid conservation, physicochemical variation, residue mobility, and thermodynamic stability) indicates that this missense variant is not expected to disrupt CFTR protein function with a negative predictive value of 80%. In summary, the available evidence is currently insufficient to determine the role of this variant in disease. Therefore, it has been classified as a Variant of Uncertain Significance.

Ambry Genetics
Classification: Uncertain significance for Cystic fibrosis. Last evaluated: 2021-09-08. Review status: criteria provided, single submitter. Criteria: Ambry Variant Classification Scheme 2023. Collection method: clinical testing. Allele origin: germline.
Comment: The p.I160V variant (also known as c.478A>G), located in coding exon 4 of the CFTR gene, results from an A to G substitution at nucleotide position 478. The isoleucine at codon 160 is replaced by valine, an amino acid with highly similar properties. This amino acid position is conserved. In addition, the in silico prediction for this alteration is inconclusive. Since supporting evidence is limited at this time, the clinical significance of this alteration remains unclear.

NM_000492.4(CFTR):c.478A>G (p.Ile160Val)

Gene: CFTR (CF transmembrane conductance regulator; plus strand). Cytogenetic location: 7q31.2.
Variant type: single nucleotide variant.
Coding change: c.478A>G on transcript NM_000492.4 (MANE Select); coding-DNA position 478, A replaced by G.
Protein change: p.Ile160Val; replaces isoleucine 160 with valine.
Molecular consequence: missense variant.
Genome position (GRCh38, 1-based): chr7:117,531,103, A>G. VCF-style: chr7-117531103-A-G. GRCh37 (hg19) VCF-style: chr7-117171157-A-G.
Other names: short protein forms I160V.
Identifiers: ClinVar variation 1743085 (VCV001743085.3), dbSNP rs1280815915, ClinGen allele CA368975125.